The following is an entry in ClinVar:

NM_000545.8(HNF1A):c.1869del (p.Thr624fs)

Genes: C12orf43 (chromosome 12 open reading frame 43; minus strand), HNF1A (HNF1 homeobox A; plus strand). Cytogenetic location: 12q24.31.
Variant type: Deletion.
Coding change: c.1869del on transcript NM_000545.8 (MANE Select); coding-DNA position 1869, one base deleted (C; older notation c.1869delC).
Protein change: p.Thr624fs; shifts the reading frame from threonine 624.
Molecular consequence: frameshift variant. On other transcripts: 3 prime UTR variant (3).
Genome position (GRCh38, 1-based): chr12:121,001,165, C deleted; the last of 2 consecutive C bases (chr12:121,001,164-121,001,165); deleting either gives the same sequence. VCF-style (leftmost placement, unchanged base first): chr12-121001163-TC-T. GRCh37 (hg19) VCF-style: chr12-121438966-TC-T.
Other names: c.*2989del (NM_001286191.2, NM_001286196.2, NM_022895.3); c.1890del, p.Thr631fs (NM_001306179.2); c.1677del, p.Thr560fs (NM_001406915.1); short protein forms T624fs, T631fs, T560fs.
Identifiers: ClinVar variation 1781620 (VCV001781620.2), dbSNP rs2500014411, ClinGen allele CA2580085899.
Genomic context (GRCh38, chr12:121,001,163, plus strand): 5'-TCCAGCAATGGCCAGAGCCACCTGCTGCCATCCAACCACAGCGTCATCGAGACCTTCATC[TC>T]CACCCAGATGGCCTCTTCCTCCCAGTAACCACGGCACCTGGGCCCTGGGGCCTGTACTGC-3'

ClinVar aggregate classification (germline): Uncertain significance (1 of 4 stars; one submission).

Conditions:
Maturity-onset diabetes of the young (MODY). Also called: Maturity onset diabetes mellitus in young. Identifiers: Orphanet 552, MedGen C0342276, MONDO:0018911, HP:0004904.

Submission:

Ambry Genetics
Classification: Uncertain significance for Maturity-onset diabetes of the young. Last evaluated: 2017-06-15. Review status: criteria provided, single submitter. Criteria: Ambry Variant Classification Scheme 2023. Collection method: clinical testing. Allele origin: germline.
Comment: The c.1869delC variant, located in coding exon 10 of the HNF1A gene, results from a deletion of one nucleotide at nucleotide position 1869, causing a translational frameshift with a predicted alternate stop codon (p.T624Pfs*36). Frameshifts are typically deleterious in nature, however, this frameshift occurs at the 3' terminus of HNF1A, is not expected to trigger nonsense-mediated mRNA decay, and results in the elongation of the protein by 27 amino acids. The exact functional impact of these inserted amino acids is unknown at this time. Thus, the clinical significance of this alteration remains unclear.